The following is an entry in ClinVar:

ClinVar aggregate classification (germline): Uncertain significance (1 of 4 stars; one submission).

Conditions:
Autosomal recessive limb-girdle muscular dystrophy type 2F (LGMDR6). Also called: Muscular dystrophy limb-girdle with delta-sarcoglyan deficiency; MUSCULAR DYSTROPHY, LIMB-GIRDLE, AUTOSOMAL RECESSIVE 6. Identifiers: Orphanet 219, MedGen C1832525, MONDO:0011028, OMIM 601287. Disease mechanism: Affects gamma-sarcoglycan and also disrupts the integrity of the entire sarcoglycan complex..

Allele frequency attached by ClinVar (database versions not stated): gnomAD exomes below 0.00001; gnomAD 0.00001; TOPMed 0.00001.
gnomAD v4.1: 3 of 1,571,888 alleles (0.00019%); highest among the groups gnomAD compares: East Asian, 0.0046%; no homozygotes.

Submission:

Labcorp Genetics (formerly Invitae), Labcorp
Classification: Uncertain significance for Autosomal recessive limb-girdle muscular dystrophy type 2F. Last evaluated: 2022-06-29. Review status: criteria provided, single submitter. Criteria: Invitae Variant Classification Sherloc (09022015). Collection method: clinical testing. Allele origin: germline.
Comment: This sequence change replaces lysine, which is basic and polar, with threonine, which is neutral and polar, at codon 120 of the SGCD protein (p.Lys120Thr). This variant is not present in population databases (gnomAD no frequency). This variant has not been reported in the literature in individuals affected with SGCD-related conditions. ClinVar contains an entry for this variant (Variation ID: 570735). Algorithms developed to predict the effect of missense changes on protein structure and function (SIFT, PolyPhen-2, Align-GVGD) all suggest that this variant is likely to be tolerated. In summary, the available evidence is currently insufficient to determine the role of this variant in disease. Therefore, it has been classified as a Variant of Uncertain Significance.

NM_000337.6(SGCD):c.359A>C (p.Lys120Thr)

Gene: SGCD (sarcoglycan delta; plus strand). Cytogenetic location: 5q33.3.
Variant type: single nucleotide variant.
Coding change: c.359A>C on transcript NM_000337.6 (MANE Select); coding-DNA position 359, A replaced by C.
Protein change: p.Lys120Thr; replaces lysine 120 with threonine.
Molecular consequence: missense variant.
Genome position (GRCh38, 1-based): chr5:156,589,295, A>C. VCF-style: chr5-156589295-A-C. GRCh37 (hg19) VCF-style: chr5-156016305-A-C.
Other names: c.356A>C, p.Lys119Thr (NM_001128209.2); c.359A>C, p.Lys120Thr (NM_172244.3); short protein forms K120T, K119T.
Identifiers: ClinVar variation 570735 (VCV000570735.3), dbSNP rs1385323214, ClinGen allele CA362008712.